The following is an entry in ClinVar:

ClinVar aggregate classification (germline): Conflicting classifications of pathogenicity. Review status: criteria provided, conflicting classifications (1 of 4 stars). 4 submissions from 4 submitters: Uncertain significance (3); Likely benign (1). Last evaluated 2026-03-13.

Conditions:
Nephronophthisis 14 (NPHP14). Identifiers: Orphanet 2318, MedGen C3539071, MONDO:0013916, OMIM 614844.

Allele frequency attached by ClinVar (database versions not stated): ExAC 0.00007; TOPMed 0.00008; gnomAD exomes 0.00012 and 0.00013; gnomAD 0.00015 and 0.00017.
gnomAD v4.1: 203 of 1,613,954 alleles (0.013%); highest among the groups gnomAD compares: Non-Finnish European, 0.012%; no homozygotes.

Submissions (4):

GeneDx
Classification: Uncertain significance. Last evaluated: 2026-03-13. Review status: criteria provided, single submitter. Criteria: GeneDx Variant Classification Process June 2021. Collection method: clinical testing. Allele origin: germline.
Comment: In silico analysis suggests that this missense variant does not alter protein structure/function; Has not been previously published as pathogenic or benign to our knowledge

Blueprint Genetics
Classification: Likely benign. Last evaluated: 2024-09-19. Review status: criteria provided, single submitter. Criteria: ACMG Guidelines, 2015. Collection method: clinical testing. Allele origin: germline.

Ambry Genetics
Classification: Uncertain significance. Last evaluated: 2024-09-02. Review status: criteria provided, single submitter. Criteria: Ambry Variant Classification Scheme 2023. Collection method: clinical testing. Allele origin: germline.

Labcorp Genetics (formerly Invitae), Labcorp
Classification: Uncertain significance for Nephronophthisis 14. Last evaluated: 2024-01-15. Review status: criteria provided, single submitter. Criteria: Invitae Variant Classification Sherloc (09022015). Collection method: clinical testing. Allele origin: germline.
Comment: This sequence change replaces threonine, which is neutral and polar, with methionine, which is neutral and non-polar, at codon 134 of the ZNF423 protein (p.Thr134Met). This variant is present in population databases (rs777988344, gnomAD 0.07%). This variant has not been reported in the literature in individuals affected with ZNF423-related conditions. ClinVar contains an entry for this variant (Variation ID: 969240). Advanced modeling of protein sequence and biophysical properties (such as structural, functional, and spatial information, amino acid conservation, physicochemical variation, residue mobility, and thermodynamic stability) performed at Invitae indicates that this missense variant is not expected to disrupt ZNF423 protein function with a negative predictive value of 80%. In summary, the available evidence is currently insufficient to determine the role of this variant in disease. Therefore, it has been classified as a Variant of Uncertain Significance.

NM_001379286.1(ZNF423):c.425C>T (p.Thr142Met)

Gene: ZNF423 (zinc finger protein 423; minus strand). Cytogenetic location: 16q12.1.
Variant type: single nucleotide variant.
Coding change: c.425C>T on transcript NM_001379286.1 (MANE Select); coding-DNA position 425, C replaced by T.
Protein change: p.Thr142Met; replaces threonine 142 with methionine.
Molecular consequence: missense variant.
Genome position (GRCh38, 1-based): chr16:49,638,751, G>A on the plus strand (C>T on the coding strand, the complement: ZNF423 is on the minus strand). VCF-style: chr16-49638751-G-A. GRCh37 (hg19) VCF-style: chr16-49672662-G-A.
Other names: c.221C>T, p.Thr74Met (NM_001271620.2); c.50C>T, p.Thr17Met (NM_001330533.2); c.401C>T, p.Thr134Met (NM_015069.5); c.401C>T (NM_015069.2); short protein forms T74M, T17M, T134M, T142M.
Identifiers: ClinVar variation 969240 (VCV000969240.9), dbSNP rs777988344, ClinGen allele CA8046873.
Genomic context (GRCh38, chr16:49,638,751, plus strand): 5'-TTCAAGTAGCTCAAGCGGATGAAGGACTTGTCGCAGAACTGGCAAGGGTATGGCAGGCCC[G>A]TGCCCCCTTCCTCCTCGCCGAGGCCGAGGTCACAACCATCTCCGATCATCTGCGTGGGTG-3'
Protein context (NP_001366215.1, residues 132-152): DLGLGEEEGG[Thr142Met]GLPYPCQFCD